The following is an entry in ClinVar:

ClinVar aggregate classification (germline): Conflicting classifications of pathogenicity. Review status: criteria provided, conflicting classifications (1 of 4 stars). 12 submissions from 12 submitters: Uncertain significance (4); Likely benign (4). 4 of the submissions do not count toward it. Last evaluated 2025-07-30.

Conditions:
Breast-ovarian cancer, familial, susceptibility to, 1 (BROVCA1). Also called: BRCA1 Hereditary Breast and Ovarian Cancer; OVARIAN CANCER, SUSCEPTIBILITY TO. Identifiers: Orphanet 145, MedGen C2676676, MONDO:0011450, OMIM 604370. Disease mechanism: loss of function.
BRCA1-related disorder. Also called: BRCA1-related condition.
Hereditary cancer-predisposing syndrome. Also called: Hereditary Cancer Syndrome; Hereditary neoplastic syndrome; Neoplastic Syndromes, Hereditary; Tumor predisposition. Identifiers: Orphanet 140162, MedGen C0027672, MeSH D009386, MONDO:0015356.
Hereditary breast ovarian cancer syndrome. Also called: BRCA1- and BRCA2-Associated Hereditary Breast and Ovarian Cancer; Hereditary breast and ovarian cancer syndrome; Hereditary breast and ovarian cancer syndrome (HBOC); Breast and ovarian cancer; Hereditary breast and/or ovarian cancer syndrome; Hereditary breast and ovarian cancer. Identifiers: Orphanet 145, MedGen C0677776, MeSH D061325, MONDO:0003582. Disease mechanism: loss of function.

Allele frequency attached by ClinVar (database versions not stated): gnomAD exomes 0.00001 and below 0.00001; TOPMed below 0.00001.
gnomAD v4.1: 20 of 1,614,254 alleles (0.0012%); highest among the groups gnomAD compares: Non-Finnish European, 0.0014%; no homozygotes.

Submissions (12):

Labcorp Genetics (formerly Invitae), Labcorp
Classification: Likely benign for Hereditary breast ovarian cancer syndrome. Last evaluated: 2025-07-30. Review status: criteria provided, single submitter. Criteria: Invitae Variant Classification Sherloc (09022015). Collection method: clinical testing. Allele origin: germline.

Quest Diagnostics Nichols Institute San Juan Capistrano
Classification: Uncertain significance. Last evaluated: 2025-03-11. Review status: criteria provided, single submitter. Criteria: Quest Diagnostics criteria. Collection method: clinical testing. Allele origin: unknown.
Comment: The BRCA1 c.3845A>T (p.Glu1282Val) variant has been reported in the published literature in individuals with breast and/or ovarian cancer (PMID: 16267036 (2005), 33471991 (2021), see also LOVD) as well as reportedly healthy individuals (PMID: 33471991 (2021), see also LOVD). This variant has been reported to be located in a region of the BRCA1 gene that is tolerant to missense sequence changes (PMID: 31911673 (2020)). In addition, this variant has been shown to have no deleterious effect on BRCA1 mRNA splicing (PMID: 32123317 (2020)) and cell proliferation (PMID: 23867111 (2013)). The frequency of this variant in the general population (Genome Aggregation Database) is uninformative in the assessment of its pathogenicity. Analysis of this variant using bioinformatics tools for the prediction of the effect of amino acid changes on protein structure and function yielded conflicting predictions that this variant is deleterious or benign. Based on the available information, we are unable to determine the clinical significance of this variant.

PreventionGenetics, part of Exact Sciences
Classification: Uncertain significance for BRCA1-related condition. Last evaluated: 2024-11-14. Review status: criteria provided, single submitter. Criteria: ACMG Guidelines, 2015. Collection method: clinical testing. Allele origin: germline.
Comment: The BRCA1 c.3845A>T variant is predicted to result in the amino acid substitution p.Glu1282Val. This variant was listed as uncertain in one study of variant classification (Table 2, Judkins et al. 2005. PubMed ID: 16267036). RT-PCR analysis suggests this variant does not impact mRNA splicing (Table S1, Wai et al. 2020. PubMed ID: 32123317). This variant occurs within a region of the BRCA1 gene that is predicted to be tolerant to variation (Table 2, Dines et al. 2020. PubMed ID: 31911673). This variant is reported in 0.00088% of alleles in individuals of European (Non-Finnish) descent in gnomAD. In ClinVar, this variant is interpreted as likely benign/uncertain. At this time, the clinical significance of this variant is uncertain due to the absence of conclusive functional and genetic evidence.

GeneDx
Classification: Uncertain significance. Last evaluated: 2024-01-02. Review status: criteria provided, single submitter. Criteria: GeneDx Variant Classification Process June 2021. Collection method: clinical testing. Allele origin: germline. Affected: yes.
Comment: Published functional studies demonstrate no damaging effect: restoration of proliferation in BRCA1-deficient mouse embryonic stem cells as well as lack of significant sensitivity to cisplatin exposure (PMID: 23867111); In silico analysis supports that this missense variant does not alter protein structure/function; Not observed at significant frequency in large population cohorts (gnomAD); Also known as 3964A>T; This variant is associated with the following publications: (PMID: 16267036, 21523855, 32123317, 15385441, 25348012, 15343273, 22737296, 34663891, 26295337, 23867111, 32377563, 29884841)

University of Washington Department of Laboratory Medicine, University of Washington
Classification: Likely benign for Hereditary cancer-predisposing syndrome. Last evaluated: 2023-03-23. Review status: criteria provided, single submitter. Criteria: Dines et al. (Genet Med. 2020). Collection method: curation. Allele origin: germline.
Comment: Missense variant in a coldspot region where missense variants are very unlikely to be pathogenic (PMID:31911673).

BRCA1 coldspot (exon 11 using historical exon numbering). Reclassification based on statistical prior probability

Ambry Genetics
Classification: Likely benign for Hereditary cancer-predisposing syndrome. Last evaluated: 2018-09-24. Review status: criteria provided, single submitter. Criteria: Ambry Variant Classification Scheme 2023. Collection method: clinical testing. Allele origin: germline.

ARUP Laboratories, Molecular Genetics and Genomics, ARUP Laboratories
Classification: Uncertain significance. Last evaluated: 2017-11-10. Review status: criteria provided, single submitter. Criteria: ARUP Molecular Germline Variant Investigation Process. Collection method: clinical testing. Allele origin: germline.

Color Diagnostics, LLC DBA Color Health
Classification: Likely benign for Hereditary cancer-predisposing syndrome. Last evaluated: 2017-02-07. Review status: criteria provided, single submitter. Criteria: ACMG Guidelines, 2015. Collection method: clinical testing. Allele origin: germline.

Genetic Services Laboratory, University of Chicago
Classification: Uncertain significance. Last evaluated: 2022-06-24. Review status: no assertion criteria provided. Collection method: clinical testing. Allele origin: germline. Affected: no. Not counted in ClinVar's aggregate classification.
Comment: DNA sequence analysis of the BRCA1 gene demonstrated a sequence change, c.3845A>T, in exon 10 that results in an amino acid change, p.Glu1282Val. This sequence change has been described in the gnomAD database in one individual which corresponds to a population frequency of 0.0004% (dbSNP rs80357217). The p.Glu1282Val change affects a moderately conserved amino acid residue located in a domain of the BRCA1 protein that is known to be functional. In-silico pathogenicity prediction tools (SIFT, PolyPhen2, Align GVGD, REVEL) provide contradictory results for the p.Glu1282Val substitution. Functional studies have indicated that this sequence change does not impact function of the BRCA1 protein (PMID: 23867111, 32123317). Due to insufficient evidences, the clinical significance of the p.Glu1282Val change remains unknown at this time.

Counsyl
Classification: Uncertain significance for Breast-ovarian cancer, familial, susceptibility to, 1. Last evaluated: 2016-01-07. Review status: no assertion criteria provided. Collection method: clinical testing. Allele origin: unknown. Not counted in ClinVar's aggregate classification.

Sharing Clinical Reports Project (SCRP)
Classification: Likely benign for Breast-ovarian cancer, familial 1. Last evaluated: 2012-03-16. Review status: no assertion criteria provided. Collection method: clinical testing. Allele origin: germline. Not counted in ClinVar's aggregate classification.

Breast Cancer Information Core (BIC) (BRCA1)
Classification: Uncertain significance for Breast-ovarian cancer, familial 1. Last evaluated: 2003-12-23. Review status: no assertion criteria provided. Collection method: clinical testing. Allele origin: germline. Affected: yes. Observed: 2 variant alleles. Not counted in ClinVar's aggregate classification.

Literature cited by the submitters: PubMed 23867111 (cited by 3 submitters); PubMed 21523855 (cited by Quest Diagnostics Nichols Institute San Juan Capistrano and Counsyl); PubMed 33471991 (cited by Quest Diagnostics Nichols Institute San Juan Capistrano); PubMed 31911673 (cited by Quest Diagnostics Nichols Institute San Juan Capistrano); PubMed 32123317 (cited by Quest Diagnostics Nichols Institute San Juan Capistrano); PubMed 16267036 (cited by Quest Diagnostics Nichols Institute San Juan Capistrano and Counsyl); PubMed 23704879 (cited by Quest Diagnostics Nichols Institute San Juan Capistrano); PubMed 26295337 (cited by Quest Diagnostics Nichols Institute San Juan Capistrano); PubMed 15385441 (cited by Counsyl); PubMed 25348012 (cited by Counsyl).

NM_007294.4(BRCA1):c.3845A>T (p.Glu1282Val)

Genes: BRCA1 (BRCA1 DNA repair associated; minus strand), LOC126862571 (BRD4-independent group 4 enhancer GRCh37_chr17:41243136-41244335; plus strand). Cytogenetic location: 17q21.31.
Variant type: single nucleotide variant.
Coding change: c.3845A>T on transcript NM_007294.4 (MANE Select); coding-DNA position 3845, A replaced by T.
Protein change: p.Glu1282Val; replaces glutamic acid 1282 with valine.
Molecular consequence: missense variant. On other transcripts: intron variant (135).
Genome position (GRCh38, 1-based): chr17:43,091,686, T>A on the plus strand (A>T on the coding strand, the complement: BRCA1 is on the minus strand). VCF-style: chr17-43091686-T-A. GRCh37 (hg19) VCF-style: chr17-41243703-T-A.
Other names: p.E1282V:GAA>GTA; 3964A>T; c.647-654A>T (NM_001408452.1, NM_001408457.1, NM_001408460.1 and 11 more transcripts); c.524-654A>T (NM_001408497.1, NM_001408496.1, NM_001408499.1 and 3 more transcripts); c.788-654A>T (NM_001407973.1, NM_001408403.1, NM_001407983.1 and 17 more transcripts); c.404-654A>T (NM_001408511.1); c.521-654A>T (NM_001408505.1, NM_001408504.1, NM_001408503.1); c.461-654A>T (NM_001408507.1, NM_001408506.1); and 43 more; short protein forms E1282V, E1235V, E1154V, E1170V, E1211V, E1214V, E1215V, E414V.
Identifiers: ClinVar variation 55027 (VCV000055027.35), dbSNP rs80357217, ClinGen allele CA002478.